The following is an entry in ClinVar:

ClinVar aggregate classification (germline): Benign/Likely benign. Review status: criteria provided, multiple submitters, no conflicts (2 of 4 stars). 4 submissions from 4 submitters: Benign (2); Likely benign (1). 1 of the submissions does not count toward it. Last evaluated 2023-02-01.

Conditions:
BSN-related disorder. Also called: BSN-related condition.

Allele frequency attached by ClinVar (database versions not stated): 1000 Genomes Project 30x 0.00312; 1000 Genomes Project 0.00359; ESP Exome Variant Server 0.00392; TOPMed 0.00515; gnomAD 0.00528 and 0.00535; gnomAD exomes 0.00560 and 0.00730; ExAC 0.00590.
gnomAD v4.1: 11,377 of 1,609,776 alleles (0.71%); highest among the groups gnomAD compares: South Asian, 0.91%; 61 homozygotes.

Submissions (4):

CeGaT Center for Human Genetics Tuebingen
Classification: Likely benign. Last evaluated: 2023-02-01. Review status: criteria provided, single submitter. Criteria: CeGaT Center For Human Genetics Tuebingen Variant Classification Criteria Version 2. Collection method: clinical testing. Allele origin: germline. Affected: yes. Observed: 1 variant allele.
Comment: BSN: BP4, BP7, BS2

Labcorp Genetics (formerly Invitae), Labcorp
Classification: Benign. Last evaluated: 2019-12-31. Review status: criteria provided, single submitter. Criteria: Invitae Variant Classification Sherloc (09022015). Collection method: clinical testing. Allele origin: germline.

Breakthrough Genomics
Classification: Benign. Review status: criteria provided, single submitter. Criteria: ACMG Guidelines, 2015. Collection method: not provided. Allele origin: germline. Inheritance: Unknown mechanism. Affected: yes.

PreventionGenetics, part of Exact Sciences
Classification: Benign for BSN-related condition. Last evaluated: 2019-06-12. Review status: no assertion criteria provided. Collection method: clinical testing. Allele origin: germline. Not counted in ClinVar's aggregate classification.
Comment: This variant is classified as benign based on ACMG/AMP sequence variant interpretation guidelines (Richards et al. 2015 PMID: 25741868, with internal and published modifications).

NM_003458.4(BSN):c.11712A>G (p.Ala3904=)

Gene: BSN (bassoon presynaptic cytomatrix protein; plus strand). Cytogenetic location: 3p21.31.
Variant type: single nucleotide variant.
Coding change: c.11712A>G on transcript NM_003458.4 (MANE Select); coding-DNA position 11712, A replaced by G.
Protein change: p.Ala3904=; no amino-acid change (alanine 3904 retained).
Molecular consequence: synonymous variant.
Genome position (GRCh38, 1-based): chr3:49,664,526, A>G. VCF-style: chr3-49664526-A-G. GRCh37 (hg19) VCF-style: chr3-49701959-A-G.
Identifiers: ClinVar variation 787167 (VCV000787167.30), dbSNP rs41290710, ClinGen allele CA2401591.